The following is an entry in ClinVar:

ClinVar aggregate classification (germline): Conflicting classifications of pathogenicity. Review status: criteria provided, conflicting classifications (1 of 4 stars). 2 submissions from 2 submitters: Uncertain significance (1); Likely benign (1). Last evaluated 2024-09-20.

Conditions:
Intellectual disability, X-linked 61 (TOKAS). Also called: TONNE-KALSCHEUER SYNDROME. Identifiers: MedGen C4283894, MONDO:0010506, OMIM 300978.

Submissions (2):

3billion
Classification: Likely benign for Intellectual disability, X-linked 61. Last evaluated: 2024-09-20. Review status: criteria provided, single submitter. Criteria: ACMG Guidelines, 2015. Collection method: clinical testing. Allele origin: germline. Affected: no.
Comment: The hemizygous variant was found in patients diagnosed with another variant in a different gene, with no symptoms related to the gene containing the hemizygous variant.

CeGaT Center for Human Genetics Tuebingen
Classification: Uncertain significance. Last evaluated: 2018-01-01. Review status: criteria provided, single submitter. Criteria: CeGaT Center For Human Genetics Tuebingen Variant Classification Criteria Version 2. Collection method: clinical testing. Allele origin: germline. Affected: yes. Observed: 1 variant allele.

NM_016120.4(RLIM):c.223C>G (p.Pro75Ala)

Gene: RLIM (ring finger protein, LIM domain interacting; minus strand). Cytogenetic location: Xq13.2.
Variant type: single nucleotide variant.
Coding change: c.223C>G on transcript NM_016120.4 (MANE Select); coding-DNA position 223, C replaced by G.
Protein change: p.Pro75Ala; replaces proline 75 with alanine.
Molecular consequence: missense variant.
Genome position (GRCh38, 1-based): chrX:74,594,336, G>C on the plus strand (C>G on the coding strand, the complement: RLIM is on the minus strand). VCF-style: chrX-74594336-G-C. GRCh37 (hg19) VCF-style: chrX-73814171-G-C.
Other names: c.223C>G, p.Pro75Ala (NM_183353.3); short protein forms P75A.
Identifiers: ClinVar variation 547086 (VCV000547086.43), dbSNP rs1555997735, ClinGen allele CA413663064.